The following is an entry in ClinVar:

NM_001170700.3(DTHD1):c.1859T>C (p.Phe620Ser)

Gene: DTHD1 (death domain containing 1; plus strand). Cytogenetic location: 4p14.
Variant type: single nucleotide variant.
Coding change: c.1859T>C on transcript NM_001170700.3 (MANE Select); coding-DNA position 1859, T replaced by C.
Protein change: p.Phe620Ser; replaces phenylalanine 620 with serine.
Molecular consequence: missense variant. On other transcripts: non-coding transcript variant (2).
Genome position (GRCh38, 1-based): chr4:36,308,257, T>C. VCF-style: chr4-36308257-T-C. GRCh37 (hg19) VCF-style: chr4-36309879-T-C.
Other names: c.989T>C, p.Phe330Ser (NM_001136536.5); c.926T>C, p.Phe309Ser (NM_001378435.1); short protein forms F309S, F620S, F330S.
Identifiers: ClinVar variation 3675241 (VCV003675241.2).

ClinVar aggregate classification (germline): Uncertain significance (1 of 4 stars; one submission).

Submission:

Labcorp Genetics (formerly Invitae), Labcorp
Classification: Uncertain significance. Last evaluated: 2024-01-31. Review status: criteria provided, single submitter. Criteria: Invitae Variant Classification Sherloc (09022015). Collection method: clinical testing. Allele origin: germline.
Comment: This sequence change replaces phenylalanine, which is neutral and non-polar, with serine, which is neutral and polar, at codon 330 of the DTHD1 protein (p.Phe330Ser). This variant is present in population databases (no rsID available, gnomAD 0.002%). This variant has not been reported in the literature in individuals affected with DTHD1-related conditions. An algorithm developed to predict the effect of missense changes on protein structure and function (PolyPhen-2) suggests that this variant is likely to be disruptive. In summary, the available evidence is currently insufficient to determine the role of this variant in disease. Therefore, it has been classified as a Variant of Uncertain Significance.